The following is an entry in ClinVar:

ClinVar aggregate classification (germline): Benign (1 of 4 stars; one submission).

Conditions:
Neurofibromatosis, type 2 (SWNV). Also called: SCHWANNOMATOSIS, VESTIBULAR; BILATERAL ACOUSTIC NEUROFIBROMATOSIS; NF2-Related Schwannomatosis. Identifiers: Orphanet 637, MedGen C0027832, MONDO:0007039, OMIM 101000. Disease mechanism: loss of function.

Allele frequency attached by ClinVar (database versions not stated): gnomAD exomes 0.00136; 1000 Genomes Project 0.00819; 1000 Genomes Project 30x 0.00906; gnomAD 0.00954 and 0.01032; TOPMed 0.01073.
gnomAD v4.1: 1,522 of 203,658 alleles (0.75%); highest among the groups gnomAD compares: African/African-American, 3.2%; 21 homozygotes.

Submission:

Illumina Laboratory Services, Illumina
Classification: Benign for Neurofibromatosis, type 2. Last evaluated: 2018-01-13. Review status: criteria provided, single submitter. Criteria: ICSL Variant Classification Criteria 13 December 2019. Collection method: clinical testing. Allele origin: germline.
Comment: This variant was observed in the ICSL laboratory as part of a predisposition screen in an ostensibly healthy population. It had not been previously curated by ICSL or reported in the Human Gene Mutation Database (HGMD: prior to June 1st, 2018), and was therefore a candidate for classification through an automated scoring system. Utilizing variant allele frequency, disease prevalence and penetrance estimates, and inheritance mode, an automated score was calculated to assess if this variant is too frequent to cause the disease. Based on the score and internal cut-off values, a variant classified as benign is not then subjected to further curation. The score for this variant resulted in a classification of benign for this disease.

NM_000268.4(NF2):c.*2408G>A

Gene: NF2 (NF2, moesin-ezrin-radixin like (MERLIN) tumor suppressor; plus strand). Cytogenetic location: 22q12.2.
Variant type: single nucleotide variant.
Coding change: c.*2408G>A on transcript NM_000268.4 (MANE Select); 2408 bases downstream of the stop codon, G replaced by A.
Molecular consequence: 3 prime UTR variant. On other transcripts: non-coding transcript variant (1).
Genome position (GRCh38, 1-based): chr22:29,697,210, G>A. VCF-style: chr22-29697210-G-A. GRCh37 (hg19) VCF-style: chr22-30093199-G-A.
Other names: c.*2468G>A (NM_016418.5, NM_181828.3, NM_181829.3 and 1 more transcripts); c.*2483G>A (NM_181832.3); c.*2408G>A (NM_181833.3).
Identifiers: ClinVar variation 341147 (VCV000341147.5), dbSNP rs114416141, ClinGen allele CA10653335.
Genomic context (GRCh38, chr22:29,697,210, plus strand): 5'-CACCAGGAGTTACTTTCCTCCTGACCTGTAAATTTGTTCTTTAACAATGGCTGCAGGTGG[G>A]AGCATATGGTGGTTTATAAAAACGCTGTCGGGCTTTGTTTCCTTCTTTAGCTGCCGTGTC-3'